The following is an entry in ClinVar:

ClinVar aggregate classification (germline): Likely benign. Review status: criteria provided, multiple submitters, no conflicts (2 of 4 stars). 4 submissions from 4 submitters: Likely benign (3). 1 of the submissions does not count toward it. Last evaluated 2025-12-22.

Conditions:
TBC1D7-related disorder. Also called: TBC1D7-related condition.

Allele frequency attached by ClinVar (database versions not stated): gnomAD exomes 0.00016 and 0.00031; ExAC 0.00032; TOPMed 0.00054; gnomAD 0.00059 and 0.00061; ESP Exome Variant Server 0.00077; 1000 Genomes Project 0.00120; 1000 Genomes Project 30x 0.00156.
gnomAD v4.1: 336 of 1,614,160 alleles (0.021%); highest among the groups gnomAD compares: African/African-American, 0.14%; no homozygotes.

Submissions (4):

Labcorp Genetics (formerly Invitae), Labcorp
Classification: Likely benign. Last evaluated: 2025-12-22. Review status: criteria provided, single submitter. Criteria: Invitae Variant Classification Sherloc (09022015). Collection method: clinical testing. Allele origin: germline.

CeGaT Center for Human Genetics Tuebingen
Classification: Likely benign. Last evaluated: 2022-03-01. Review status: criteria provided, single submitter. Criteria: CeGaT Center For Human Genetics Tuebingen Variant Classification Criteria Version 2. Collection method: clinical testing. Allele origin: germline. Affected: yes. Observed: 1 variant allele.
Comment: TBC1D7: BP4, BP7

GeneDx
Classification: Likely benign. Last evaluated: 2021-02-15. Review status: criteria provided, single submitter. Criteria: GeneDx Variant Classification Process June 2021. Collection method: clinical testing. Allele origin: germline. Affected: yes.

PreventionGenetics, part of Exact Sciences
Classification: Likely benign for TBC1D7-related condition. Last evaluated: 2019-05-02. Review status: no assertion criteria provided. Collection method: clinical testing. Allele origin: germline. Not counted in ClinVar's aggregate classification.
Comment: This variant is classified as likely benign based on ACMG/AMP sequence variant interpretation guidelines (Richards et al. 2015 PMID: 25741868, with internal and published modifications).

NM_016495.6(TBC1D7):c.267T>C (p.Leu89=)

Genes: TBC1D7 (TBC1 domain family member 7; minus strand), TBC1D7-LOC100130357 (TBC1D7-LOC100130357 readthrough; minus strand). Cytogenetic location: 6p24.1.
Variant type: single nucleotide variant.
Coding change: c.267T>C on transcript NM_016495.6 (MANE Select); coding-DNA position 267, T replaced by C.
Protein change: p.Leu89=; no amino-acid change (leucine 89 retained).
Molecular consequence: synonymous variant. On other transcripts: non-coding transcript variant (1).
Genome position (GRCh38, 1-based): chr6:13,321,022, A>G on the plus strand (T>C on the coding strand, the complement: TBC1D7 is on the minus strand). VCF-style: chr6-13321022-A-G. GRCh37 (hg19) VCF-style: chr6-13321254-A-G.
Other names: c.267T>C, p.Leu89= (NM_001318809.2, NM_001143964.4, NM_001143965.4 and 2 more transcripts); c.186T>C, p.Leu62= (NM_001143966.4, NM_001318806.2).
Identifiers: ClinVar variation 1254892 (VCV001254892.40), dbSNP rs137993093, ClinGen allele CA3639828.